The following is an entry in ClinVar:

NM_001371986.1(UNC80):c.9095G>A (p.Arg3032Gln)

Gene: UNC80 (unc-80 subunit of NALCN channel complex; plus strand). Cytogenetic location: 2q34.
Variant type: single nucleotide variant.
Coding change: c.9095G>A on transcript NM_001371986.1 (MANE Select); coding-DNA position 9095, G replaced by A.
Protein change: p.Arg3032Gln; replaces arginine 3032 with glutamine.
Molecular consequence: missense variant.
Genome position (GRCh38, 1-based): chr2:209,978,685, G>A. VCF-style: chr2-209978685-G-A. GRCh37 (hg19) VCF-style: chr2-210843409-G-A.
Other names: c.8897G>A (NM_032504.1); c.8897G>A, p.Arg2966Gln (NM_032504.2); c.8882G>A, p.Arg2961Gln (NM_182587.4); short protein forms R2961Q, R2966Q, R3032Q.
Identifiers: ClinVar variation 1350568 (VCV001350568.5), dbSNP rs952112150, ClinGen allele CA64659363.

ClinVar aggregate classification (germline): Uncertain significance. Review status: criteria provided, multiple submitters, no conflicts (2 of 4 stars). 2 submissions from 2 submitters: Uncertain significance (2). Last evaluated 2026-03-30.

Allele frequency attached by ClinVar (database versions not stated): gnomAD 0.00003 and 0.00004; gnomAD exomes 0.00001 and 0.00003; TOPMed 0.00003.
gnomAD v4.1: 23 of 1,543,914 alleles (0.0015%); highest among the groups gnomAD compares: Admixed American, 0.012%; no homozygotes.

Submissions (2):

GeneDx
Classification: Uncertain significance. Last evaluated: 2026-03-30. Review status: criteria provided, single submitter. Criteria: GeneDx Variant Classification Process June 2021. Collection method: clinical testing. Allele origin: germline.
Comment: In silico analysis suggests that this missense variant does not alter protein structure/function; Has not been previously published as pathogenic or benign to our knowledge

Labcorp Genetics (formerly Invitae), Labcorp
Classification: Uncertain significance. Last evaluated: 2022-10-27. Review status: criteria provided, single submitter. Criteria: Invitae Variant Classification Sherloc (09022015). Collection method: clinical testing. Allele origin: germline.
Comment: This sequence change replaces arginine, which is basic and polar, with glutamine, which is neutral and polar, at codon 2966 of the UNC80 protein (p.Arg2966Gln). This variant is present in population databases (no rsID available, gnomAD 0.005%). This variant has not been reported in the literature in individuals affected with UNC80-related conditions. ClinVar contains an entry for this variant (Variation ID: 1350568). Advanced modeling of protein sequence and biophysical properties (such as structural, functional, and spatial information, amino acid conservation, physicochemical variation, residue mobility, and thermodynamic stability) performed at Invitae indicates that this missense variant is not expected to disrupt UNC80 protein function. In summary, the available evidence is currently insufficient to determine the role of this variant in disease. Therefore, it has been classified as a Variant of Uncertain Significance.